The following is an entry in ClinVar:

ClinVar aggregate classification (germline): Uncertain significance (1 of 4 stars; one submission).

Conditions:
Biotin-responsive basal ganglia disease (BTBGD). Also called: Thiamine Transporter-2 Deficiency; THIAMINE METABOLISM DYSFUNCTION SYNDROME 2 (BIOTIN- AND THIAMINE-RESPONSIVE TYPE); Thiamine metabolism dysfunction syndrome 2 (biotin- or thiamine-responsive encephalopathy type 2); thiamine-responsive encephalopathy; Thiamine metabolism dysfunction syndrome type 2. Identifiers: Orphanet 199348, Orphanet 65284, MedGen C1843807, MONDO:0011841, OMIM 607483.

Allele frequency attached by ClinVar (database versions not stated): gnomAD exomes below 0.00001; TOPMed below 0.00001.
gnomAD v4.1: 4 of 1,613,902 alleles (0.00025%); highest among the groups gnomAD compares: Non-Finnish European, 0.00034%; no homozygotes.

Submission:

Labcorp Genetics (formerly Invitae), Labcorp
Classification: Uncertain significance for Biotin-responsive basal ganglia disease. Last evaluated: 2020-07-10. Review status: criteria provided, single submitter. Criteria: Invitae Variant Classification Sherloc (09022015). Collection method: clinical testing. Allele origin: germline.
Comment: In summary, the available evidence is currently insufficient to determine the role of this variant in disease. Therefore, it has been classified as a Variant of Uncertain Significance. Algorithms developed to predict the effect of missense changes on protein structure and function are either unavailable or do not agree on the potential impact of this missense change (SIFT: "Deleterious"; PolyPhen-2: "Probably Damaging"; Align-GVGD: "Class C0"). This variant has not been reported in the literature in individuals with SLC19A3-related conditions. This variant is not present in population databases (ExAC no frequency). This sequence change replaces cysteine with tyrosine at codon 20 of the SLC19A3 protein (p.Cys20Tyr). The cysteine residue is highly conserved and there is a large physicochemical difference between cysteine and tyrosine.

NM_025243.4(SLC19A3):c.59G>A (p.Cys20Tyr)

Gene: SLC19A3 (solute carrier family 19 member 3; minus strand). Cytogenetic location: 2q36.3.
Variant type: single nucleotide variant.
Coding change: c.59G>A on transcript NM_025243.4 (MANE Select); coding-DNA position 59, G replaced by A.
Protein change: p.Cys20Tyr; replaces cysteine 20 with tyrosine.
Molecular consequence: missense variant. On other transcripts: 5 prime UTR variant (2).
Genome position (GRCh38, 1-based): chr2:227,702,260, C>T on the plus strand (G>A on the coding strand, the complement: SLC19A3 is on the minus strand). VCF-style: chr2-227702260-C-T. GRCh37 (hg19) VCF-style: chr2-228566976-C-T.
Other names: c.59G>A, p.Cys20Tyr (NM_001371411.1, NM_001371412.1); c.-150G>A (NM_001371413.1, NM_001371414.1); short protein forms C20Y.
Identifiers: ClinVar variation 1055031 (VCV001055031.9), dbSNP rs1695727249, ClinGen allele CA350878037.